The following continues an entry in ClinVar:

NM_007294.4(BRCA1):c.5212G>A (p.Gly1738Arg)

Gene: BRCA1. ClinVar aggregate classification (germline): Pathogenic. Pathogenic (1).

Submissions 5 to 17 of 17:

ARUP Laboratories, Molecular Genetics and Genomics, ARUP Laboratories
Classification: Pathogenic. Last evaluated: 2022-04-02. Review status: criteria provided, single submitter. Criteria: ARUP Molecular Germline Variant Investigation Process 2021. Collection method: clinical testing. Allele origin: germline. Not counted in ClinVar's aggregate classification.
Comment: The BRCA1 c.5212G>A; p.Gly1738Arg variant (rs80356937) is reported in the literature in several individuals with hereditary breast and ovarian cancer syndrome and shown to co-segregate with disease in multiple families (Anagnostopoulos 2008, Heramb 2018, Jakimovska 2018, Tsaousis 2019). This variant is classified as pathogenic by an expert review panel in ClinVar (Variation ID: 55461). Functional studies show the variant causes altered protein function (Lee 2010, Lovelock 2007). This variant is absent from the Genome Aggregation Database, indicating it is not a common polymorphism. The glycine at codon 1738 is highly conserved and computational analyses predict that this variant is deleterious (REVEL: 0.762). Based on available information, this variant is considered to be pathogenic. References: Anagnostopoulos T et al. G1738R is a BRCA1 founder mutation in Greek breast/ovarian cancer patients: evaluation of its pathogenicity and inferences on its genealogical history. Breast Cancer Res Treat. 2008 Jul;110(2):377-85. PMID: 17902052. Heramb C et al. BRCA1 and BRCA2 mutation spectrum - an update on mutation distribution in a large cancer genetics clinic in Norway. Hered Cancer Clin Pract. 2018 Jan 10;16:3. PMID: 29339979. Jakimovska M et al. BRCA1 and BRCA2 germline variants in breast cancer patients from the Republic of Macedonia. Breast Cancer Res Treat. 2018 Apr;168(3):745-753. PMID: 29335924. Lee MS et al. Comprehensive analysis of missense variations in the BRCT domain of BRCA1 by structural and functional assays. Cancer Res. 2010 Jun 15;70(12):4880-90. PMID: 20516115. Lovelock PK et al. Identification of BRCA1 missense substitutions that confer partial functional activity: potential moderate risk variants? Breast Cancer Res. 2007;9(6):R82. PMID: 18036263. Tsaousis GN et al. Analysis of hereditary cancer syndromes by using a panel of genes: novel and multiple pathogenic mutations. BMC Cancer. 2019 Jun 3;19(1):535. PMID: 31159747.

Baylor Genetics
Classification: Pathogenic for Breast-ovarian cancer, familial, susceptibility to, 1. Last evaluated: 2022-03-22. Review status: criteria provided, single submitter. Criteria: ACMG Guidelines, 2015. Collection method: clinical testing. Allele origin: unknown. Not counted in ClinVar's aggregate classification.

Sema4
Classification: Pathogenic for Hereditary cancer-predisposing syndrome. Last evaluated: 2021-10-25. Review status: criteria provided, single submitter. Criteria: Sema4 Curation Guidelines. Collection method: curation. Allele origin: germline. Not counted in ClinVar's aggregate classification.
Comment: The BRCA1 c.5212G>A (p.G1738R) variant has been reported in heterozygosity in numerous individuals and families with hereditary breast and/or ovarian cancer (PMID: 23536787, 17453335, 15353005, 16489001). This variant was found to segregate with the phenotype across at least seven meioses/individuals across at least four families (PMID: 17453335) and it is reported as a founder mutation in the Greek population (PMID: 23536787, 17453335). In silico tools suggest that the impact of the variant on protein function is deleterious and functional studies have shown that this variant results in significantly reduced transcriptional activity, destabilized BRCT structure, reduced nuclear foci formation, and increased centrosome amplification in vitro (PMID: 17305420, 18036263, 20516115). The variant was not observed in the large and broad cohorts of the Genome Aggregation Database (PMID: 32461654). This variant has been reported in ClinVar (Variation ID: 55461). Based on the current evidence available, this variant is interpreted as pathogenic.

Women's Health and Genetics/Laboratory Corporation of America, LabCorp
Classification: Pathogenic for Hereditary breast ovarian cancer syndrome. Last evaluated: 2021-07-23. Review status: criteria provided, single submitter. Criteria: LabCorp Variant Classification Summary - May 2015. Collection method: clinical testing. Allele origin: germline. Not counted in ClinVar's aggregate classification.
Comment: Variant summary: BRCA1 c.5212G>A (p.Gly1738Arg) results in a non-conservative amino acid change located in the BRCT linker domain (IPR001357) of the encoded protein sequence. Five of five in-silico tools predict a damaging effect of the variant on protein function. The variant allele was found not found in 278112 control chromosomes (gnomAD). c.5212G>A has been reported in the literature in multiple individuals affected with Hereditary Breast and Ovarian Cancer where it co-segregated with the disease in over 8 families (e.g. Anagnostopoulos 2008, Konstantopoulou 2008, Chenevix-Trench 2006, Konstantopoulou 2014). These data indicate that the variant is very likely to be associated with disease. Several publications reported experimental evidence evaluating an impact on protein function, and demonstrated severely diminished transcriptional activity, destabilization of the BRCT structure, reduced capacity to form foci in response to DNA damage, and increased centrosome amplification (Carvalho 2007, Lovelock 2007, Lee 2010, Thouvenot 2016, Findlay 2018). Multiple clinical diagnostic laboratories, an expert panel (ENIGMA) and a consortium (CIMBA) have submitted clinical-significance assessments for this variant to ClinVar after 2014 without evidence for independent evaluation. All submitters classified the variant as pathogenic (n=8)/likely pathogenic(n=1). Based on the evidence outlined above, the variant was classified as pathogenic.

Institute of Medical Genetics and Applied Genomics, University Hospital Tübingen
Classification: Pathogenic. Last evaluated: 2020-10-23. Review status: criteria provided, single submitter. Criteria: ACMG Guidelines, 2015. Collection method: clinical testing. Allele origin: germline. Inheritance: Unknown mechanism. Affected: yes. Not counted in ClinVar's aggregate classification.

GeneKor MSA
Classification: Pathogenic for Hereditary breast and ovarian cancer syndrome. Last evaluated: 2020-01-01. Review status: criteria provided, single submitter. Criteria: ACMG Guidelines, 2015. Collection method: clinical testing. Allele origin: germline. Affected: yes. Not counted in ClinVar's aggregate classification.
Comment: This variation is a missense mutation, substituting Glycine with Arginine at codon 1738 of the BRCA1 protein p.(Gly1738Arg). The glycine residue is highly conserved among species and is located in a domain of the protein that is not known to be functionally important. There is a large physicochemical difference between glycine and arginine (Grantham Score 125). This variant is not present in population databases (rs80356937) and has been reported in international literature in breast and/or ovarian cancer patients and is a founder mutation in the Greek population (PMID: 17902052, PMID: 23536787, PMID: 15353005, PMID: 24010542, PMID: 17453335, PMID: 16489001). Algorithms developed to predict the effect of missense changes on protein structure and function suggest that this variant is likely to be damaging. In addition, experimental studies have shown that this missense variant is deleterious (PMID: 17305420, 18036263, 20516115, 17308087). A different missense substitution at this codon (p.Gly1738Glu) has been determined to be pathogenic (PMID: 18465347, PMID: 23113073, PMID: 21918854, PMID: 11157798, PMID: 10811118). This suggests that the glycine residue is critical for BRCA1 protein function and that other missense substitutions at this position may also be pathogenic.

Quest Diagnostics Nichols Institute San Juan Capistrano
Classification: Pathogenic. Last evaluated: 2018-12-18. Review status: criteria provided, single submitter. Criteria: Quest Diagnostics criteria. Collection method: clinical testing. Allele origin: germline. Not counted in ClinVar's aggregate classification.
Comment: Not found in the total gnomAD dataset, and the data is high quality (0/282860 chr). Found in at least one symptomatic patient. Predicted to have a damaging effect on the protein. Located in potentially important domain of the protein. Assessment of experimental evidence suggests this variant results in abnormal protein function. Appears to be associated with disease in multiple families.

Consortium of Investigators of Modifiers of BRCA1/2 (CIMBA), c/o University of Cambridge
Classification: Pathogenic for Breast-ovarian cancer, familial, susceptibility to, 1. Last evaluated: 2015-10-02. Review status: criteria provided, single submitter. Criteria: CIMBA Mutation Classification guidelines May 2016. Collection method: clinical testing. Allele origin: germline. Not counted in ClinVar's aggregate classification.

Department of Medical Genetics, Oslo University Hospital
Classification: Likely pathogenic for Breast-ovarian cancer, familial, susceptibility to, 1. Last evaluated: 2015-07-01. Review status: criteria provided, single submitter. Criteria: ACMG Guidelines, 2015. Collection method: clinical testing. Allele origin: germline. Affected: yes. Observed: 1 variant allele. Not counted in ClinVar's aggregate classification.

Research Molecular Genetics Laboratory, Women's College Hospital, University of Toronto
Classification: Pathogenic for Hereditary breast ovarian cancer syndrome. Last evaluated: 2014-01-31. Review status: no assertion criteria provided. Collection method: research. Allele origin: germline. Affected: yes. Study: The Canadian Open Genetics Repository (COGR). Not counted in ClinVar's aggregate classification.

Breast Cancer Information Core (BIC) (BRCA1)
Classification: Uncertain significance for Breast-ovarian cancer, familial 1. Last evaluated: 2002-05-29. Review status: no assertion criteria provided. Collection method: clinical testing. Allele origin: germline. Affected: yes. Observed: 15 variant alleles. Not counted in ClinVar's aggregate classification.

Brotman Baty Institute, University of Washington
No classification provided (evidence only). Condition: Breast-ovarian cancer, familial 1. Review status: no classification provided. Collection method: in vitro. Allele origin: not applicable. Functional consequence: functionally_abnormal. Not counted in ClinVar's aggregate classification.
ClinVar note: "not provided" was previously submitted as the classification for the variant. However, the classification appeared to be based only on an observation of functional data so it was converted to no classification on 2025-07-30.

Center for Precision Medicine, Meizhou People's Hospital
Classification: Pathogenic for Familial cancer of breast. Review status: no assertion criteria provided. Collection method: literature only. Allele origin: germline. Affected: yes. Not counted in ClinVar's aggregate classification.

Literature cited by the submitters: PubMed 21990134 (cited by 4 submitters); PubMed 15353005 (cited by 4 submitters); PubMed 16489001 (cited by 4 submitters); PubMed 17453335 (cited by 4 submitters); PubMed 17902052 (cited by 4 submitters); PubMed 23536787 (cited by 4 submitters); PubMed 24010542 (cited by 4 submitters); PubMed 30209399 (cited by 3 submitters); PubMed 17305420 (cited by 4 submitters); PubMed 17308087 (cited by 5 submitters); PubMed 18036263 (cited by 5 submitters); PubMed 20516115 (cited by 5 submitters); PubMed 10811118 (cited by Labcorp Genetics (formerly Invitae), Labcorp); PubMed 11157798 (cited by Labcorp Genetics (formerly Invitae), Labcorp); PubMed 18465347 (cited by Labcorp Genetics (formerly Invitae), Labcorp); PubMed 21918854 (cited by Labcorp Genetics (formerly Invitae), Labcorp); PubMed 23113073 (cited by Labcorp Genetics (formerly Invitae), Labcorp); PubMed 12142080 (cited by Color Diagnostics, LLC DBA Color Health); PubMed 14534301 (cited by Color Diagnostics, LLC DBA Color Health); PubMed 19491894 (cited by Color Diagnostics, LLC DBA Color Health); PubMed 22085629 (cited by Color Diagnostics, LLC DBA Color Health); PubMed 27272900 (cited by Color Diagnostics, LLC DBA Color Health and Women's Health and Genetics/Laboratory Corporation of America, LabCorp); PubMed 28781887 (cited by 3 submitters); PubMed 29310832 (cited by Color Diagnostics, LLC DBA Color Health); PubMed 29446198 (cited by Color Diagnostics, LLC DBA Color Health); PubMed 30340058 (cited by Color Diagnostics, LLC DBA Color Health); PubMed 30446274 (cited by Color Diagnostics, LLC DBA Color Health); PubMed 33274848 (cited by Color Diagnostics, LLC DBA Color Health); PubMed 15235020 (cited by Ambry Genetics and Quest Diagnostics Nichols Institute San Juan Capistrano); PubMed 23199084 (cited by Ambry Genetics); Ladopolou-et-al.,-Cancer-Lett,-185:61,-2002 (cited by Breast Cancer Information Core (BIC) (BRCA1)); PubMed 18951446 (cited by Center for Precision Medicine, Meizhou People's Hospital).